The following is an entry in ClinVar:

ClinVar aggregate classification (germline): Uncertain significance. Review status: criteria provided, multiple submitters, no conflicts (2 of 4 stars). 3 submissions from 3 submitters: Uncertain significance (2). 1 of the submissions does not count toward it. Last evaluated 2023-08-04.

Conditions:
Peroxisome biogenesis disorder, complementation group 7 (CG7). Also called: Peroxisome biogenesis disorder, complementation group B. Identifiers: MedGen C1864399.
PEX10-related disorder. Also called: PEX10-related condition.

gnomAD v4.1: 4 of 1,614,028 alleles (0.00025%); highest among the groups gnomAD compares: South Asian, 0.0011%; no homozygotes.

Submissions (3):

Labcorp Genetics (formerly Invitae), Labcorp
Classification: Uncertain significance for Peroxisome biogenesis disorder, complementation group 7. Last evaluated: 2023-08-04. Review status: criteria provided, single submitter. Criteria: Invitae Variant Classification Sherloc (09022015). Collection method: clinical testing. Allele origin: germline.
Comment: In summary, the available evidence is currently insufficient to determine the role of this variant in disease. Therefore, it has been classified as a Variant of Uncertain Significance. Algorithms developed to predict the effect of missense changes on protein structure and function output the following: SIFT: "Not Available"; PolyPhen-2: "Benign"; Align-GVGD: "Not Available". The tryptophan amino acid residue is found in multiple mammalian species, which suggests that this missense change does not adversely affect protein function. ClinVar contains an entry for this variant (Variation ID: 501854). This variant has not been reported in the literature in individuals affected with PEX10-related conditions. This variant is not present in population databases (gnomAD no frequency). This sequence change replaces serine, which is neutral and polar, with tryptophan, which is neutral and slightly polar, at codon 89 of the PEX10 protein (p.Ser89Trp).

Eurofins Ntd Llc (ga)
Classification: Uncertain significance. Last evaluated: 2017-05-02. Review status: criteria provided, single submitter. Criteria: EGL Classification Definitions 2015. Collection method: clinical testing. Allele origin: germline. Observed: 1 variant allele, 1 heterozygote.

PreventionGenetics, part of Exact Sciences
Classification: Uncertain significance for PEX10-related condition. Last evaluated: 2024-09-11. Review status: no assertion criteria provided. Collection method: clinical testing. Allele origin: germline. Not counted in ClinVar's aggregate classification.
Comment: The PEX10 c.266C>G variant is predicted to result in the amino acid substitution p.Ser89Trp. To our knowledge, this variant has not been reported in the literature or in a large population database, indicating this variant is rare. At this time, the clinical significance of this variant is uncertain due to the absence of conclusive functional and genetic evidence.

NM_002617.4(PEX10):c.266C>G (p.Ser89Trp)

Gene: PEX10 (peroxisomal biogenesis factor 10; minus strand). Cytogenetic location: 1p36.32.
Variant type: single nucleotide variant.
Coding change: c.266C>G on transcript NM_002617.4 (MANE Select); coding-DNA position 266, C replaced by G.
Protein change: p.Ser89Trp; replaces serine 89 with tryptophan.
Molecular consequence: missense variant. On other transcripts: 5 prime UTR variant (2), non-coding transcript variant (1).
Genome position (GRCh38, 1-based): chr1:2,408,786, G>C on the plus strand (C>G on the coding strand, the complement: PEX10 is on the minus strand). VCF-style: chr1-2408786-G-C. GRCh37 (hg19) VCF-style: chr1-2340225-G-C.
Other names: c.266C>G, p.Ser89Trp (NM_001374425.1, NM_153818.2); c.-167C>G (NM_001374426.1, NM_001374427.1); c.266C>G (NM_153818.1); short protein forms S89W.
Identifiers: ClinVar variation 501854 (VCV000501854.12), dbSNP rs769847524, ClinGen allele CA337988873.